The following is an entry in ClinVar:

ClinVar aggregate classification (germline): Uncertain significance. Review status: criteria provided, multiple submitters, no conflicts (2 of 4 stars). 2 submissions from 2 submitters: Uncertain significance (2). Last evaluated 2025-01-29.

Conditions:
Inborn genetic diseases. Identifiers: MedGen C0950123, MeSH D030342.

Submissions (2):

Ambry Genetics
Classification: Uncertain significance for Inborn genetic diseases. Last evaluated: 2025-01-29. Review status: criteria provided, single submitter. Criteria: Ambry Variant Classification Scheme 2023. Collection method: clinical testing. Allele origin: germline.

GeneDx
Classification: Uncertain significance. Last evaluated: 2019-09-09. Review status: criteria provided, single submitter. Criteria: GeneDx Variant Classification Process June 2021. Collection method: clinical testing. Allele origin: germline. Affected: yes.
Comment: Not observed in large population cohorts (Lek et al., 2016); In silico analysis, which includes protein predictors and evolutionary conservation, supports a deleterious effect; Has not been previously published as pathogenic or benign to our knowledge

NM_001845.6(COL4A1):c.4949T>C (p.Leu1650Ser)

Gene: COL4A1 (collagen type IV alpha 1 chain; minus strand). Cytogenetic location: 13q34.
Variant type: single nucleotide variant.
Coding change: c.4949T>C on transcript NM_001845.6 (MANE Select); coding-DNA position 4949, T replaced by C.
Protein change: p.Leu1650Ser; replaces leucine 1650 with serine.
Molecular consequence: missense variant.
Genome position (GRCh38, 1-based): chr13:110,150,424, A>G on the plus strand (T>C on the coding strand, the complement: COL4A1 is on the minus strand). VCF-style: chr13-110150424-A-G. GRCh37 (hg19) VCF-style: chr13-110802771-A-G.
Other names: short protein forms L1650S.
Identifiers: ClinVar variation 1316473 (VCV001316473.3), dbSNP rs2138415466, ClinGen allele CA388653664.